The following is an entry in ClinVar:

NM_001365951.3(KIF1B):c.3250A>C (p.Asn1084His)

Gene: KIF1B (kinesin family member 1B; plus strand). Cytogenetic location: 1p36.22.
Variant type: single nucleotide variant.
Coding change: c.3250A>C on transcript NM_001365951.3 (MANE Select); coding-DNA position 3250, A replaced by C.
Protein change: p.Asn1084His; replaces asparagine 1084 with histidine.
Molecular consequence: missense variant.
Genome position (GRCh38, 1-based): chr1:10,337,194, A>C. VCF-style: chr1-10337194-A-C. GRCh37 (hg19) VCF-style: chr1-10397252-A-C.
Other names: c.3250A>C, p.Asn1084His (NM_001365952.1); c.3112A>C, p.Asn1038His (NM_015074.3); short protein forms N1084H, N1038H.
Identifiers: ClinVar variation 1727760 (VCV001727760.9), dbSNP rs757461865, ClinGen allele CA17841549.
Genomic context (GRCh38, chr1:10,337,194, plus strand): 5'-GTGGAAGGACAGGGTCAGAGTTCTGAGGTCATCACTCCTCCAGAAGAAATCAGTCGAATT[A>C]ATGACTTGGGTATGTAGACATAGTTTACTGTGCTTGGGGACATTTTCGACAAAGGGAAAA-3'
Protein context (NP_001352880.1, residues 1074-1094): ITPPEEISRI[Asn1084His]DLDLKSSTLL

ClinVar aggregate classification (germline): Uncertain significance. Review status: criteria provided, multiple submitters, no conflicts (2 of 4 stars). 2 submissions from 2 submitters: Uncertain significance (2). Last evaluated 2025-09-26.

Conditions:
Charcot-Marie-Tooth disease type 2. Also called: Charcot-Marie-Tooth type 2. Identifiers: Orphanet 64746, MedGen C0270914, MONDO:0018993.

gnomAD v4.1: 5 of 1,614,162 alleles (0.00031%); highest among the groups gnomAD compares: Non-Finnish European, 0.00042%; no homozygotes.

Submissions (2):

Ambry Genetics
Classification: Uncertain significance. Last evaluated: 2025-09-26. Review status: criteria provided, single submitter. Criteria: Ambry Variant Classification Scheme 2023. Collection method: clinical testing. Allele origin: germline.

Labcorp Genetics (formerly Invitae), Labcorp
Classification: Uncertain significance for Charcot-Marie-Tooth disease type 2. Last evaluated: 2022-09-30. Review status: criteria provided, single submitter. Criteria: Invitae Variant Classification Sherloc (09022015). Collection method: clinical testing. Allele origin: germline.
Comment: Algorithms developed to predict the effect of missense changes on protein structure and function (SIFT, PolyPhen-2, Align-GVGD) all suggest that this variant is likely to be tolerated. In summary, the available evidence is currently insufficient to determine the role of this variant in disease. Therefore, it has been classified as a Variant of Uncertain Significance. This variant has not been reported in the literature in individuals affected with KIF1B-related conditions. This variant is not present in population databases (gnomAD no frequency). This sequence change replaces asparagine, which is neutral and polar, with histidine, which is basic and polar, at codon 1038 of the KIF1B protein (p.Asn1038His).